The following is an entry in ClinVar:

ClinVar aggregate classification (germline): Uncertain significance (1 of 4 stars; one submission).

Conditions:
Early-infantile DEE. Also called: Ohtahara syndrome; Early infantile epileptic encephalopathy with suppression bursts; Early infantile epileptic encephalopathy. Identifiers: Orphanet 1934, MedGen C0393706, MONDO:0800491.

Allele frequency attached by ClinVar (database versions not stated): gnomAD exomes below 0.00001.
gnomAD v4.1: 1 of 1,613,786 alleles (0.000062%); highest among the groups gnomAD compares: South Asian, 0.0011%; no homozygotes.

Submission:

Labcorp Genetics (formerly Invitae), Labcorp
Classification: Uncertain significance for Early-infantile DEE. Last evaluated: 2022-11-22. Review status: criteria provided, single submitter. Criteria: Invitae Variant Classification Sherloc (09022015). Collection method: clinical testing. Allele origin: germline.
Comment: In summary, the available evidence is currently insufficient to determine the role of this variant in disease. Therefore, it has been classified as a Variant of Uncertain Significance. Algorithms developed to predict the effect of missense changes on protein structure and function output the following: SIFT: "Tolerated"; PolyPhen-2: "Benign"; Align-GVGD: "Class C0". The phenylalanine amino acid residue is found in multiple mammalian species, which suggests that this missense change does not adversely affect protein function. ClinVar contains an entry for this variant (Variation ID: 1041390). This variant has not been reported in the literature in individuals affected with CACNA2D2-related conditions. This variant is not present in population databases (gnomAD no frequency). This sequence change replaces tyrosine, which is neutral and polar, with phenylalanine, which is neutral and non-polar, at codon 931 of the CACNA2D2 protein (p.Tyr931Phe).

NM_006030.4(CACNA2D2):c.2792A>T (p.Tyr931Phe)

Genes: CACNA2D2 (calcium voltage-gated channel auxiliary subunit alpha2delta 2; minus strand), LOC101928965 (uncharacterized LOC101928965; plus strand), LOC127898564 (CYB561D2-LOC101928965; plus strand). Cytogenetic location: 3p21.31.
Variant type: single nucleotide variant.
Coding change: c.2792A>T on transcript NM_006030.4 (MANE Select); coding-DNA position 2792, A replaced by T.
Protein change: p.Tyr931Phe; replaces tyrosine 931 with phenylalanine.
Molecular consequence: missense variant.
Genome position (GRCh38, 1-based): chr3:50,366,081, T>A on the plus strand (A>T on the coding strand, the complement: CACNA2D2 is on the minus strand). VCF-style: chr3-50366081-T-A. GRCh37 (hg19) VCF-style: chr3-50403512-T-A.
Other names: c.2792A>T, p.Tyr931Phe (NM_001005505.3); c.2813A>T, p.Tyr938Phe (NM_001174051.3); c.2585A>T, p.Tyr862Phe (NM_001291101.1); short protein forms Y862F, Y931F, Y938F.
Identifiers: ClinVar variation 1041390 (VCV001041390.6), dbSNP rs1704261817, ClinGen allele CA352904926.
Genomic context (GRCh38, chr3:50,366,081, plus strand): 5'-CCCCGGGGTGCAGCACCCAGGTTGCCAGGGGGCTGAGGGGCACAGGCTGCCTGATAGTCA[T>A]AGGACTCCTTGCGGGTGTAGAAGGAGTTATTGTAGAGTGCCAGCATCAGGTTGGCATCCA-3'
Protein context (NP_006021.2, residues 921-941): NNSFYTRKES[Tyr931Phe]DYQAACAPQP